The following is an entry in ClinVar:

ClinVar aggregate classification (germline): Uncertain significance (1 of 4 stars; one submission).

Submission:

Labcorp Genetics (formerly Invitae), Labcorp
Classification: Uncertain significance. Last evaluated: 2022-02-08. Review status: criteria provided, single submitter. Criteria: Invitae Variant Classification Sherloc (09022015). Collection method: clinical testing. Allele origin: germline.
Comment: This variant has not been reported in the literature in individuals affected with VPS13A-related conditions. In summary, the available evidence is currently insufficient to determine the role of this variant in disease. Therefore, it has been classified as a Variant of Uncertain Significance. Algorithms developed to predict the effect of missense changes on protein structure and function are either unavailable or do not agree on the potential impact of this missense change (SIFT: "Deleterious"; PolyPhen-2: "Benign"; Align-GVGD: "Class C0"). This variant is not present in population databases (gnomAD no frequency). This sequence change replaces glutamic acid, which is acidic and polar, with lysine, which is basic and polar, at codon 3155 of the VPS13A protein (p.Glu3155Lys).

NM_033305.3(VPS13A):c.9463G>A (p.Glu3155Lys)

Gene: VPS13A (vacuolar protein sorting 13 homolog A; plus strand). Cytogenetic location: 9q21.2.
Variant type: single nucleotide variant.
Coding change: c.9463G>A on transcript NM_033305.3 (MANE Select); coding-DNA position 9463, G replaced by A.
Protein change: p.Glu3155Lys; replaces glutamic acid 3155 with lysine.
Molecular consequence: missense variant.
Genome position (GRCh38, 1-based): chr9:77,407,596, G>A. VCF-style: chr9-77407596-G-A. GRCh37 (hg19) VCF-style: chr9-80022512-G-A.
Other names: c.9346G>A, p.Glu3116Lys (NM_001018037.2); short protein forms E3116K, E3155K.
Identifiers: ClinVar variation 2095100 (VCV002095100.4), dbSNP rs2538324188, ClinGen allele CA373855338.
Genomic context (GRCh38, chr9:77,407,596, plus strand): 5'-CGAGTGAAGTCTGTATTTCATGCCAGAGAGTTTGGAAAAATAATTAACTTCAAGACCCCA[G>A]AGGATGCCAGGGTAAATATAATAAATCTTTTATTTAAATAGGAGCTGCTCACTTCAAAAT-3'
Protein context (NP_150648.2, residues 3145-3165): FGKIINFKTP[Glu3155Lys]DARWILTKLQ